The following is an entry in ClinVar:

NM_005751.5(AKAP9):c.389C>G (p.Pro130Arg)

Gene: AKAP9 (A-kinase anchoring protein 9; plus strand). Cytogenetic location: 7q21.2.
Variant type: single nucleotide variant.
Coding change: c.389C>G on transcript NM_005751.5 (MANE Select); coding-DNA position 389, C replaced by G.
Protein change: p.Pro130Arg; replaces proline 130 with arginine.
Molecular consequence: missense variant.
Genome position (GRCh38, 1-based): chr7:91,992,195, C>G. VCF-style: chr7-91992195-C-G. GRCh37 (hg19) VCF-style: chr7-91621509-C-G.
Other names: c.389C>G, p.Pro130Arg (NM_147185.3); short protein forms P130R.
Identifiers: ClinVar variation 191382 (VCV000191382.8), dbSNP rs200518712, ClinGen allele CA236470.

ClinVar aggregate classification (germline): Conflicting classifications of pathogenicity. Review status: criteria provided, conflicting classifications (1 of 4 stars). 3 submissions from 3 submitters: Uncertain significance (2); Likely benign (1). Last evaluated 2025-06-01.

Conditions:
Cardiovascular phenotype. Identifiers: MedGen CN230736.
Long QT syndrome (LQTS). Identifiers: MedGen C0023976, MeSH D008133, MONDO:0002442. Disease mechanism: loss of function. Inheritance: Various modes of inheritance.

Allele frequency attached by ClinVar (database versions not stated): ExAC 0.00001; gnomAD 0.00001; gnomAD exomes 0.00001; TOPMed 0.00002; ESP Exome Variant Server 0.00008.

Submissions (3):

Labcorp Genetics (formerly Invitae), Labcorp
Classification: Uncertain significance for Long QT syndrome. Last evaluated: 2025-06-01. Review status: criteria provided, single submitter. Criteria: Invitae Variant Classification Sherloc (09022015). Collection method: clinical testing. Allele origin: germline.
Comment: This sequence change replaces proline, which is neutral and non-polar, with arginine, which is basic and polar, at codon 130 of the AKAP9 protein (p.Pro130Arg). This variant is present in population databases (rs200518712, gnomAD 0.002%). This variant has not been reported in the literature in individuals affected with AKAP9-related conditions. ClinVar contains an entry for this variant (Variation ID: 191382). An algorithm developed to predict the effect of missense changes on protein structure and function (PolyPhen-2) suggests that this variant is likely to be disruptive. In summary, the available evidence is currently insufficient to determine the role of this variant in disease. Therefore, it has been classified as a Variant of Uncertain Significance.

Ambry Genetics
Classification: Likely benign for Cardiovascular phenotype. Last evaluated: 2024-12-24. Review status: criteria provided, single submitter. Criteria: Ambry Variant Classification Scheme 2023. Collection method: clinical testing. Allele origin: germline.

Biesecker Lab/Clinical Genomics Section, National Institutes of Health
Classification: Uncertain significance. Last evaluated: 2013-06-24. Review status: criteria provided, single submitter. Criteria: Ng et al. (Circ Cardiovasc Genet. 2013). Collection method: research. Allele origin: unknown. Observed: 1 variant allele. Study: ClinSeq.
Comment: The study set was not selected for affection status in relation to any cancer. Pathogenicity categories were based on literature curation. See Pubmed ID:23861362 for details.

Medical sequencing